The following is an entry in ClinVar:

NM_007294.4(BRCA1):c.274G>C (p.Ala92Pro)

Gene: BRCA1 (BRCA1 DNA repair associated; minus strand). Cytogenetic location: 17q21.31.
Variant type: single nucleotide variant.
Coding change: c.274G>C on transcript NM_007294.4 (MANE Select); coding-DNA position 274, G replaced by C.
Protein change: p.Ala92Pro; replaces alanine 92 with proline.
Molecular consequence: missense variant. On other transcripts: non-coding transcript variant (1).
Genome position (GRCh38, 1-based): chr17:43,104,895, C>G on the plus strand (G>C on the coding strand, the complement: BRCA1 is on the minus strand). VCF-style: chr17-43104895-C-G. GRCh37 (hg19) VCF-style: chr17-41256912-C-G.
Other names: c.64G>C, p.Ala22Pro (NM_001407571.1, NM_001407853.1, NM_001407879.1 and 58 more transcripts); c.274G>C, p.Ala92Pro (NM_001407581.1, NM_001407582.1, NM_001407583.1 and 168 more transcripts); c.196G>C, p.Ala66Pro (NM_001407653.1, NM_001407654.1, NM_001407655.1 and 21 more transcripts); c.133G>C, p.Ala45Pro (NM_001407692.1, NM_001407694.1, NM_001407695.1 and 99 more transcripts); c.-108G>C (NM_001407959.1, NM_001407960.1, NM_001407962.1 and 4 more transcripts); c.142G>C, p.Ala48Pro (NM_001408451.1); short protein forms A92P, A45P, A48P, A22P, A66P.
Identifiers: ClinVar variation 216657 (VCV000216657.14), dbSNP rs863224755, ClinGen allele CA339018.

ClinVar aggregate classification (germline): Conflicting classifications of pathogenicity. Review status: criteria provided, conflicting classifications (1 of 4 stars). 4 submissions from 4 submitters: Likely pathogenic (1); Uncertain significance (3). Last evaluated 2026-09-11.

Conditions:
Hereditary breast ovarian cancer syndrome. Also called: Hereditary breast and ovarian cancer syndrome; Hereditary breast and ovarian cancer; Hereditary breast and ovarian cancer syndrome (HBOC); Hereditary breast and/or ovarian cancer syndrome; Breast and ovarian cancer; BRCA1- and BRCA2-Associated Hereditary Breast and Ovarian Cancer. Identifiers: Orphanet 145, MedGen C0677776, MeSH D061325, MONDO:0003582. Disease mechanism: loss of function.
Hereditary cancer-predisposing syndrome. Also called: Hereditary Cancer Syndrome; Tumor predisposition; Hereditary neoplastic syndrome; Neoplastic Syndromes, Hereditary. Identifiers: Orphanet 140162, MedGen C0027672, MeSH D009386, MONDO:0015356.
Inherited breast cancer and ovarian cancer.

Submissions (5):

Genetics Laboratory, Great Ormond Street Hospital NHS Foundation Trust, North Thames Genomic Laboratory Hub
Classification: Likely pathogenic for Inherited breast cancer and ovarian cancer. Last evaluated: 2026-09-11. Review status: criteria provided, single submitter. Criteria: CanVIG BRCA Gene Specific V1.22. Collection method: clinical testing. Allele origin: germline. Affected: yes.
Comment: PM2_moderate, PS3_strong

Color Diagnostics, LLC DBA Color Health
Classification: Uncertain significance for Hereditary cancer-predisposing syndrome. Last evaluated: 2020-03-16. Review status: criteria provided, single submitter. Criteria: ACMG Guidelines, 2015. Collection method: clinical testing. Allele origin: germline.
Comment: This missense variant replaces alanine with proline at codon 92 of the BRCA1 protein. Computational prediction is inconclusive regarding the impact of this variant on protein structure and function (internally defined REVEL score threshold 0.5 < inconclusive < 0.7, PMID: 27666373). Splice site prediction tools suggest that this variant may not impact RNA splicing. To our knowledge, functional studies have not been reported for this variant. This variant has not been reported in individuals affected with hereditary cancer in the literature. This variant has not been identified in the general population by the Genome Aggregation Database (gnomAD). The available evidence is insufficient to determine the role of this variant in disease conclusively. Therefore, this variant is classified as a Variant of Uncertain Significance.

GeneKor MSA
Classification: Uncertain significance for Hereditary cancer-predisposing syndrome. Last evaluated: 2018-08-01. Review status: criteria provided, single submitter. Criteria: ACMG Guidelines, 2015. Collection method: clinical testing. Allele origin: germline. Affected: yes.

Labcorp Genetics (formerly Invitae), Labcorp
Classification: Uncertain significance for Hereditary breast ovarian cancer syndrome. Last evaluated: 2015-05-28. Review status: criteria provided, single submitter. Criteria: Invitae Variant Classification Sherloc (09022015). Collection method: clinical testing. Allele origin: germline.
Comment: In summary, this is a novel missense change with uncertain impact on protein function. It has been classified as a Variant of Uncertain Significance. Algorithms developed to predict the effect of missense changes on protein structure and function (SIFT, PolyPhen-2, Align-GVGD) all suggest that this variant is likely to be disruptive, but these predictions have not been confirmed by published functional studies. This variant has not been published in the literature and is not present in population databases. This sequence change replaces alanine with proline at codon 92 of the BRCA1 protein (p.Ala92Pro). The alanine residue is highly conserved and there is a small physicochemical difference between alanine and proline.

Brotman Baty Institute, University of Washington
No classification provided (evidence only). Condition: Breast-ovarian cancer, familial 1. Review status: no classification provided. Collection method: in vitro. Allele origin: not applicable. Functional consequence: functionally_abnormal. Not counted in ClinVar's aggregate classification.
ClinVar note: "not provided" was previously submitted as the classification for the variant. However, the classification appeared to be based only on an observation of functional data so it was converted to no classification on 2025-07-30.